The following is an entry in ClinVar:

ClinVar aggregate classification (germline): Uncertain significance (1 of 4 stars; one submission).

Allele frequency attached by ClinVar (database versions not stated): TOPMed below 0.00001; gnomAD 0.00001; gnomAD exomes 0.00001.
gnomAD v4.1: 4 of 1,613,702 alleles (0.00025%); highest among the groups gnomAD compares: Non-Finnish European, 0.00034%; no homozygotes.

Submission:

Ambry Genetics
Classification: Uncertain significance. Last evaluated: 2024-03-12. Review status: criteria provided, single submitter. Criteria: Ambry Variant Classification Scheme 2023. Collection method: clinical testing. Allele origin: germline.
Comment: The p.R240T variant (also known as c.719G>C), located in coding exon 1 of the PALLD gene, results from a G to C substitution at nucleotide position 719. The arginine at codon 240 is replaced by threonine, an amino acid with similar properties. This amino acid position is conserved. In addition, this alteration is predicted to be tolerated by in silico analysis. Since supporting evidence is limited at this time, the clinical significance of this alteration remains unclear.

NM_001166108.2(PALLD):c.719G>C (p.Arg240Thr)

Gene: PALLD (palladin, cytoskeletal associated protein; plus strand). Cytogenetic location: 4q32.3.
Variant type: single nucleotide variant.
Coding change: c.719G>C on transcript NM_001166108.2 (MANE Select); coding-DNA position 719, G replaced by C.
Protein change: p.Arg240Thr; replaces arginine 240 with threonine.
Molecular consequence: missense variant.
Genome position (GRCh38, 1-based): chr4:168,512,223, G>C. VCF-style: chr4-168512223-G-C. GRCh37 (hg19) VCF-style: chr4-169433374-G-C.
Other names: c.719G>C, p.Arg240Thr (NM_016081.4); short protein forms R240T.
Identifiers: ClinVar variation 1757626 (VCV001757626.2), dbSNP rs1472927370, ClinGen allele CA358728058.